The following is an entry in ClinVar:

NM_007294.4(BRCA1):c.5194-7C>G

Gene: BRCA1 (BRCA1 DNA repair associated; minus strand). Cytogenetic location: 17q21.31.
Variant type: single nucleotide variant.
Coding change: c.5194-7C>G on transcript NM_007294.4 (MANE Select); 7 bases into the intron before coding-DNA position 5194, C replaced by G.
Molecular consequence: intron variant.
Genome position (GRCh38, 1-based): chr17:43,057,142, G>C on the plus strand (C>G on the coding strand, the complement: BRCA1 is on the minus strand). VCF-style: chr17-43057142-G-C. GRCh37 (hg19) VCF-style: chr17-41209159-G-C.
Other names: c.4984-7C>G (NM_001407889.1, NM_001407884.1, NM_001407879.1 and 5 more transcripts); c.5053-7C>G (NM_001407695.1, NM_001407726.1, NM_001407730.1 and 13 more transcripts); c.5047-7C>G (NM_001407846.1, NM_001407850.1, NM_001407844.1 and 12 more transcripts); c.1354-7C>G (NM_001408513.1); c.1618-7C>G (NM_001408503.1, NM_001408502.1, NM_001408504.1); c.5050-7C>G (NM_001407943.1, NM_001407748.1, NM_001407752.1 and 21 more transcripts); c.1621-7C>G (NM_001408500.1, NM_001408497.1, NM_001408496.1 and 3 more transcripts); c.4930-7C>G (NM_001407921.1, NM_001407926.1, NM_001407924.1 and 4 more transcripts); and 72 more.
Identifiers: ClinVar variation 867827 (VCV000867827.20), dbSNP rs2051533192, ClinGen allele CA916081195.

ClinVar aggregate classification (germline): Likely benign (1 of 4 stars; one submission).

Conditions:
Hereditary breast ovarian cancer syndrome. Also called: Hereditary breast and ovarian cancer; Hereditary breast and ovarian cancer syndrome (HBOC); Breast and ovarian cancer; Hereditary breast and/or ovarian cancer syndrome; BRCA1- and BRCA2-Associated Hereditary Breast and Ovarian Cancer; Hereditary breast and ovarian cancer syndrome. Identifiers: Orphanet 145, MedGen C0677776, MeSH D061325, MONDO:0003582. Disease mechanism: loss of function.

Submissions (2):

Labcorp Genetics (formerly Invitae), Labcorp
Classification: Likely benign for Hereditary breast ovarian cancer syndrome. Last evaluated: 2020-02-19. Review status: criteria provided, single submitter. Criteria: Invitae Variant Classification Sherloc (09022015). Collection method: clinical testing. Allele origin: germline.

Brotman Baty Institute, University of Washington
No classification provided (evidence only). Condition: Breast-ovarian cancer, familial 1. Review status: no classification provided. Collection method: in vitro. Allele origin: not applicable. Functional consequence: functionally_normal. Not counted in ClinVar's aggregate classification.
ClinVar note: "not provided" was previously submitted as the classification for the variant. However, the classification appeared to be based only on an observation of functional data so it was converted to no classification on 2025-07-30.